The following is an entry in ClinVar:

ClinVar aggregate classification (germline): Pathogenic (1 of 4 stars; one submission).

Conditions:
Marfan Syndrome/Loeys-Dietz Syndrome/Familial Thoracic Aortic Aneurysms and Dissections. Identifiers: MedGen CN229799.

Submission:

Women's Health and Genetics/Laboratory Corporation of America, LabCorp
Classification: Pathogenic for Marfan Syndrome/Loeys-Dietz Syndrome/Familial Thoracic Aortic Aneurysms and Dissections. Last evaluated: 2023-12-04. Review status: criteria provided, single submitter. Criteria: LabCorp Variant Classification Summary - May 2015. Collection method: clinical testing. Allele origin: germline.
Comment: Variant summary: FBN1 c.4569_4577delinsT (p.Val1524CysfsX2) results in a premature termination codon, predicted to cause a truncation of the encoded protein or absence of the protein due to nonsense mediated decay, which are commonly known mechanisms for disease. The variant was absent in 1461842 control chromosomes. To our knowledge, no occurrence of c.4569_4577delinsT in individuals affected with Marfan Syndrome and no experimental evidence demonstrating its impact on protein function have been reported. No submitters have cited clinical-significance assessments for this variant to ClinVar after 2014. Based on the evidence outlined above, the variant was classified as pathogenic.

NM_000138.5(FBN1):c.4569_4577delinsT (p.Val1524fs)

Gene: FBN1 (fibrillin 1; minus strand). Cytogenetic location: 15q21.1.
Variant type: Indel.
Coding change: c.4569_4577delinsT on transcript NM_000138.5 (MANE Select); coding-DNA positions 4569 to 4577, AGTTGGCTG replaced by T.
Protein change: p.Val1524fs; shifts the reading frame from valine 1524.
Molecular consequence: frameshift variant.
Genome position (GRCh38, 1-based): chr15:48,468,417-48,468,425, CAGCCAACT replaced by A on the plus strand (AGTTGGCTG replaced by T on the coding strand, the reverse complement: FBN1 is on the minus strand). VCF-style: chr15-48468417-CAGCCAACT-A. GRCh37 (hg19) VCF-style: chr15-48760614-CAGCCAACT-A.
Other names: c.4569_4577delinsT, p.Val1524fs (NM_001406716.1); short protein forms V1524fs.
Identifiers: ClinVar variation 2691380 (VCV002691380.1), dbSNP rs2505502960, ClinGen allele CA2697549056.
Genomic context (GRCh38, chr15:48,468,417, plus strand): 5'-TTTTCAAAATAATACACAGTATGCTTGCTTCTCTGAAAAGTTTTTAAGGTCTTACCAACA[CAGCCAACT>A]CGAGTTGGGTTCAGTTCAAAATCAGGTGGGCAGTCACAGATATAGCTGCCTGGAGTGTTG-3'